The following is an entry in ClinVar:

ClinVar aggregate classification (germline): Uncertain significance (1 of 4 stars; one submission).

gnomAD v4.1: 1 of 1,613,802 alleles (0.000062%); highest among the groups gnomAD compares: Non-Finnish European, 0.000085%; no homozygotes.

Submission:

Ambry Genetics
Classification: Uncertain significance. Last evaluated: 2025-10-30. Review status: criteria provided, single submitter. Criteria: Ambry Variant Classification Scheme 2023. Collection method: clinical testing. Allele origin: germline.
Comment: The p.C311G variant (also known as c.931T>G), located in coding exon 4 of the PALLD gene, results from a T to G substitution at nucleotide position 931. The cysteine at codon 311 is replaced by glycine, an amino acid with highly dissimilar properties. This amino acid position is highly conserved in available vertebrate species. In addition, this alteration is predicted to be deleterious by in silico analysis. The evidence for this gene-disease relationship is limited; therefore, the clinical significance of this alteration is unclear.

NM_001166108.2(PALLD):c.2443T>G (p.Cys815Gly)

Genes: CBR4 (carbonyl reductase 4; minus strand), PALLD (palladin, cytoskeletal associated protein; plus strand). Cytogenetic location: 4q32.3.
Variant type: single nucleotide variant.
Coding change: c.2443T>G on transcript NM_001166108.2 (MANE Select); coding-DNA position 2443, T replaced by G.
Protein change: p.Cys815Gly; replaces cysteine 815 with glycine.
Molecular consequence: missense variant.
Genome position (GRCh38, 1-based): chr4:168,898,685, T>G. VCF-style: chr4-168898685-T-G. GRCh37 (hg19) VCF-style: chr4-169819836-T-G.
Other names: c.1246T>G, p.Cys416Gly (NM_001166109.2); c.931T>G, p.Cys311Gly (NM_001166110.2); c.271T>G, p.Cys91Gly (NM_001367567.1, NM_001367569.1); c.322T>G, p.Cys108Gly (NM_001367568.1, NM_001367570.1); c.2392T>G, p.Cys798Gly (NM_016081.4); short protein forms C311G, C416G, C815G, C108G, C798G, C91G.
Identifiers: ClinVar variation 4564137 (VCV004564137.1).